The following is an entry in ClinVar:

ClinVar aggregate classification (germline): Uncertain significance (1 of 4 stars; one submission).

Conditions:
Hereditary nonpolyposis colorectal neoplasms. Identifiers: MedGen C0009405, MeSH D003123.

Allele frequency attached by ClinVar (database versions not stated): gnomAD exomes below 0.00001; gnomAD 0.00001.
gnomAD v4.1: 2 of 1,613,920 alleles (0.00012%); highest among the groups gnomAD compares: South Asian, 0.0022%; no homozygotes.

Submission:

Labcorp Genetics (formerly Invitae), Labcorp
Classification: Uncertain significance for Hereditary nonpolyposis colorectal neoplasms. Last evaluated: 2021-08-23. Review status: criteria provided, single submitter. Criteria: Invitae Variant Classification Sherloc (09022015). Collection method: clinical testing. Allele origin: germline.
Comment: This sequence change replaces valine with leucine at codon 215 of the PMS2 protein (p.Val215Leu). The valine residue is moderately conserved and there is a small physicochemical difference between valine and leucine. This variant is not present in population databases (ExAC no frequency). This variant has not been reported in the literature in individuals affected with PMS2-related conditions. Advanced modeling of protein sequence and biophysical properties (such as structural, functional, and spatial information, amino acid conservation, physicochemical variation, residue mobility, and thermodynamic stability) performed at Invitae indicates that this missense variant is not expected to disrupt PMS2 protein function. In summary, the available evidence is currently insufficient to determine the role of this variant in disease. Therefore, it has been classified as a Variant of Uncertain Significance.

NM_000535.7(PMS2):c.643G>C (p.Val215Leu)

Gene: PMS2 (PMS1 homolog 2, mismatch repair system component; minus strand). Cytogenetic location: 7p22.1.
Variant type: single nucleotide variant.
Coding change: c.643G>C on transcript NM_000535.7 (MANE Select); coding-DNA position 643, G replaced by C.
Protein change: p.Val215Leu; replaces valine 215 with leucine.
Molecular consequence: missense variant. On other transcripts: 5 prime UTR variant (2), non-coding transcript variant (1), intron variant (1).
Genome position (GRCh38, 1-based): chr7:5,999,170, C>G on the plus strand (G>C on the coding strand, the complement: PMS2 is on the minus strand). VCF-style: chr7-5999170-C-G. GRCh37 (hg19) VCF-style: chr7-6038801-C-G.
Other names: c.238G>C, p.Val80Leu (NM_001322003.2, NM_001322004.2, NM_001322005.2 and 2 more transcripts); c.643G>C, p.Val215Leu (NM_001322006.2, NM_001322014.2); c.325G>C, p.Val109Leu (NM_001322007.2, NM_001322008.2); c.-291G>C (NM_001322011.2, NM_001322012.2); c.334G>C, p.Val112Leu (NM_001322015.2); c.133-1747G>C (NM_001322013.2); short protein forms V80L, V215L, V109L, V112L.
Identifiers: ClinVar variation 1402517 (VCV001402517.3), dbSNP rs1064794017, ClinGen allele CA366743927.